The following is an entry in ClinVar:

ClinVar aggregate classification (germline): Uncertain significance. Review status: criteria provided, multiple submitters, no conflicts (2 of 4 stars). 2 submissions from 2 submitters: Uncertain significance (2). Last evaluated 2022-03-23.

Conditions:
Cardiovascular phenotype. Identifiers: MedGen CN230736.
Dilated cardiomyopathy 1KK (CMD1KK). Identifiers: Orphanet 154, Orphanet 75249, MedGen C3714995, MONDO:0014100, OMIM 615248.

gnomAD v4.1: 2 of 1,613,576 alleles (0.00012%); highest among the groups gnomAD compares: East Asian, 0.0045%; no homozygotes.

Submissions (2):

Labcorp Genetics (formerly Invitae), Labcorp
Classification: Uncertain significance for Dilated cardiomyopathy 1KK. Last evaluated: 2022-03-23. Review status: criteria provided, single submitter. Criteria: Invitae Variant Classification Sherloc (09022015). Collection method: clinical testing. Allele origin: germline.
Comment: This sequence change replaces lysine, which is basic and polar, with asparagine, which is neutral and polar, at codon 234 of the MYPN protein (p.Lys234Asn). In summary, the available evidence is currently insufficient to determine the role of this variant in disease. Therefore, it has been classified as a Variant of Uncertain Significance. Algorithms developed to predict the effect of missense changes on protein structure and function (SIFT, PolyPhen-2, Align-GVGD) all suggest that this variant is likely to be tolerated. This variant has not been reported in the literature in individuals affected with MYPN-related conditions. This variant is not present in population databases (gnomAD no frequency).

Ambry Genetics
Classification: Uncertain significance for Cardiovascular phenotype. Last evaluated: 2021-01-10. Review status: criteria provided, single submitter. Criteria: Ambry Variant Classification Scheme 2023. Collection method: clinical testing. Allele origin: germline.
Comment: The p.K234N variant (also known as c.702G>C), located in coding exon 1 of the MYPN gene, results from a G to C substitution at nucleotide position 702. The lysine at codon 234 is replaced by asparagine, an amino acid with similar properties. This amino acid position is not well conserved in available vertebrate species, and asparagine is the reference amino acid in other vertebrate species. In addition, this alteration is predicted to be tolerated by in silico analysis. Since supporting evidence is limited at this time, the clinical significance of this alteration remains unclear.

NM_032578.4(MYPN):c.702G>C (p.Lys234Asn)

Gene: MYPN (myopalladin; plus strand). Cytogenetic location: 10q21.3.
Variant type: single nucleotide variant.
Coding change: c.702G>C on transcript NM_032578.4 (MANE Select); coding-DNA position 702, G replaced by C.
Protein change: p.Lys234Asn; replaces lysine 234 with asparagine.
Molecular consequence: missense variant. On other transcripts: 5 prime UTR variant (1), non-coding transcript variant (1).
Genome position (GRCh38, 1-based): chr10:68,122,140, G>C. VCF-style: chr10-68122140-G-C. GRCh37 (hg19) VCF-style: chr10-69881897-G-C.
Other names: c.702G>C, p.Lys234Asn (NM_001256267.2); c.-421G>C (NM_001256268.2); short protein forms K234N.
Identifiers: ClinVar variation 1505301 (VCV001505301.10), dbSNP rs1589529109, ClinGen allele CA377104939.
Genomic context (GRCh38, chr10:68,122,140, plus strand): 5'-TATCCCTGCGGATACCAGGGATAATGAAGTGAATCACGCCCTGGAACAGCAGGAAGCCAA[G>C]AGGCGTGAAGCGGAGCAGGCTGCCAGTGAGGCGGCTGGTGGAGACACTACACCAGGGTCT-3'
Protein context (NP_115967.2, residues 224-244): VNHALEQQEA[Lys234Asn]RREAEQAASE